The following is an entry in ClinVar:

NM_004517.4(ILK):c.266A>C (p.Tyr89Ser)

Genes: ILK (integrin linked kinase; plus strand), TAF10 (TATA-box binding protein associated factor 10; minus strand). Cytogenetic location: 11p15.4.
Variant type: single nucleotide variant.
Coding change: c.266A>C on transcript NM_004517.4 (MANE Select); coding-DNA position 266, A replaced by C.
Protein change: p.Tyr89Ser; replaces tyrosine 89 with serine.
Molecular consequence: missense variant. On other transcripts: 5 prime UTR variant (1), 3 prime UTR variant (1).
Genome position (GRCh38, 1-based): chr11:6,608,404, A>C. VCF-style: chr11-6608404-A-C. GRCh37 (hg19) VCF-style: chr11-6629634-A-C.
Other names: c.266A>C, p.Tyr89Ser (NM_001014794.3, NM_001014795.3, NM_001278441.2); c.-137A>C (NM_001278442.2); c.*2518T>G (NM_006284.4); short protein forms Y89S.
Identifiers: ClinVar variation 1980908 (VCV001980908.4), dbSNP rs1254222245, ClinGen allele CA379456415.

ClinVar aggregate classification (germline): Uncertain significance (1 of 4 stars; one submission).

Conditions:
Primary familial hypertrophic cardiomyopathy (HCM). Identifiers: Orphanet 99739, MedGen C0949658, MeSH D024741, MONDO:0024573. Inheritance: Various modes of inheritance.

Allele frequency attached by ClinVar (database versions not stated): gnomAD exomes below 0.00001.
gnomAD v4.1: 1 of 1,614,078 alleles (0.000062%); highest among the groups gnomAD compares: Non-Finnish European, 0.000085%; no homozygotes.

Submission:

Labcorp Genetics (formerly Invitae), Labcorp
Classification: Uncertain significance for Primary familial hypertrophic cardiomyopathy. Last evaluated: 2022-04-30. Review status: criteria provided, single submitter. Criteria: Invitae Variant Classification Sherloc (09022015). Collection method: clinical testing. Allele origin: germline.
Comment: This variant has not been reported in the literature in individuals affected with ILK-related conditions. In summary, the available evidence is currently insufficient to determine the role of this variant in disease. Therefore, it has been classified as a Variant of Uncertain Significance. Algorithms developed to predict the effect of missense changes on protein structure and function (SIFT, PolyPhen-2, Align-GVGD) all suggest that this variant is likely to be tolerated. This variant is present in population databases (no rsID available, gnomAD 0.0009%). This sequence change replaces tyrosine, which is neutral and polar, with serine, which is neutral and polar, at codon 89 of the ILK protein (p.Tyr89Ser).